The following is an entry in ClinVar:

NM_001371986.1(UNC80):c.2232_2246del (p.Glu744_Gly748del)

Gene: UNC80 (unc-80 subunit of NALCN channel complex; plus strand). Cytogenetic location: 2q34.
Variant type: Deletion.
Coding change: c.2232_2246del on transcript NM_001371986.1 (MANE Select); coding-DNA positions 2232 to 2246, 15 bases deleted (AGGAGGAGGTGGAGA).
Protein change: p.Glu744_Gly748del.
Molecular consequence: inframe deletion.
Genome position (GRCh38, 1-based): chr2:209,820,580-209,820,594, AGGAGGAGGTGGAGA deleted; deleting any 15 consecutive bases within chr2:209,820,577-209,820,594 gives the same sequence; the c. name uses the placement nearest the transcript's 3' end. VCF-style (leftmost placement, unchanged base first): chr2-209820576-AAGAAGGAGGAGGTGG-A. GRCh37 (hg19) VCF-style: chr2-210685300-AAGAAGGAGGAGGTGG-A.
Other names: c.2232_2246del, p.Glu744_Gly748del (NM_032504.2, NM_182587.4).
Identifiers: ClinVar variation 2117312 (VCV002117312.4), dbSNP rs2470970791, ClinGen allele CA2580065496.
Genomic context (GRCh38, chr2:209,820,576, plus strand): 5'-GAAGTTCCACCTGTGGATTCGGAGGCCCTGCTGTTAGTGGAGCTGGAGATGGTGGAGGAG[AAGAAGGAGGAGGTGG>A]AGATGGAGGAGGTGGAGGAGGTGATGGAGGAGGAGGTGGAGGAGGTGGAGGCGGCCCTTA-3'

ClinVar aggregate classification (germline): Uncertain significance (1 of 4 stars; one submission).

Submission:

Labcorp Genetics (formerly Invitae), Labcorp
Classification: Uncertain significance. Last evaluated: 2022-08-22. Review status: criteria provided, single submitter. Criteria: Invitae Variant Classification Sherloc (09022015). Collection method: clinical testing. Allele origin: germline.
Comment: This variant is not present in population databases (gnomAD no frequency). In summary, the available evidence is currently insufficient to determine the role of this variant in disease. Therefore, it has been classified as a Variant of Uncertain Significance. Experimental studies and prediction algorithms are not available or were not evaluated, and the functional significance of this variant is currently unknown. This variant has not been reported in the literature in individuals affected with UNC80-related conditions. This variant, c.2232_2246del, results in the deletion of 5 amino acid(s) of the UNC80 protein (p.Glu744_Gly748del), but otherwise preserves the integrity of the reading frame.